The following is an entry in ClinVar:

NM_001478.5(B4GALNT1):c.1052A>C (p.Tyr351Ser)

Gene: B4GALNT1 (beta-1,4-N-acetyl-galactosaminyltransferase 1; minus strand). Cytogenetic location: 12q13.3.
Variant type: single nucleotide variant.
Coding change: c.1052A>C on transcript NM_001478.5 (MANE Select); coding-DNA position 1052, A replaced by C.
Protein change: p.Tyr351Ser; replaces tyrosine 351 with serine.
Molecular consequence: missense variant.
Genome position (GRCh38, 1-based): chr12:57,628,213, T>G on the plus strand (A>C on the coding strand, the complement: B4GALNT1 is on the minus strand). VCF-style: chr12-57628213-T-G. GRCh37 (hg19) VCF-style: chr12-58021996-T-G.
Other names: c.887A>C, p.Tyr296Ser (NM_001276468.2, NM_001413978.1); c.1187A>C, p.Tyr396Ser (NM_001413967.1, NM_001413968.1, NM_001413969.1); c.1052A>C, p.Tyr351Ser (NM_001413970.1, NM_001413971.1, NM_001413972.1 and 2 more transcripts); c.953A>C, p.Tyr318Ser (NM_001413977.1); c.200A>C, p.Tyr67Ser (NM_001413981.1); c.65A>C, p.Tyr22Ser (NM_001413982.1, NM_001413983.1, NM_001413984.1); short protein forms Y318S, Y296S, Y396S, Y22S, Y351S, Y67S.
Identifiers: ClinVar variation 1964879 (VCV001964879.5), dbSNP rs2540653030, ClinGen allele CA385495801.

ClinVar aggregate classification (germline): Uncertain significance (1 of 4 stars; one submission).

Conditions:
Spastic paraplegia. Identifiers: MedGen C0037772, HP:0001258.

Submission:

Labcorp Genetics (formerly Invitae), Labcorp
Classification: Uncertain significance for Spastic paraplegia. Last evaluated: 2023-12-18. Review status: criteria provided, single submitter. Criteria: Invitae Variant Classification Sherloc (09022015). Collection method: clinical testing. Allele origin: germline.
Comment: This sequence change replaces tyrosine, which is neutral and polar, with serine, which is neutral and polar, at codon 351 of the B4GALNT1 protein (p.Tyr351Ser). This variant is not present in population databases (gnomAD no frequency). This variant has not been reported in the literature in individuals affected with B4GALNT1-related conditions. ClinVar contains an entry for this variant (Variation ID: 1964879). Advanced modeling of protein sequence and biophysical properties (such as structural, functional, and spatial information, amino acid conservation, physicochemical variation, residue mobility, and thermodynamic stability) performed at Invitae indicates that this missense variant is expected to disrupt B4GALNT1 protein function with a positive predictive value of 80%. In summary, the available evidence is currently insufficient to determine the role of this variant in disease. Therefore, it has been classified as a Variant of Uncertain Significance.